The following is an entry in ClinVar:

NM_007294.4(BRCA1):c.5332+2T>C

Gene: BRCA1 (BRCA1 DNA repair associated; minus strand). Cytogenetic location: 17q21.31.
Variant type: single nucleotide variant.
Coding change: c.5332+2T>C on transcript NM_007294.4 (MANE Select); the canonical splice donor site of the intron after coding-DNA position 5332, T replaced by C.
Molecular consequence: splice donor variant. On other transcripts: intron variant (2).
Genome position (GRCh38, 1-based): chr17:43,051,061, A>G on the plus strand (T>C on the coding strand, the complement: BRCA1 is on the minus strand). VCF-style: chr17-43051061-A-G. GRCh37 (hg19) VCF-style: chr17-41203078-A-G.
Other names: c.1492+2T>C (NM_001408513.1); c.1756+2T>C (NM_001408503.1, NM_001408502.1, NM_001408504.1); c.5188+2T>C (NM_001407943.1, NM_001407748.1, NM_001407752.1 and 21 more transcripts); c.1759+2T>C (NM_001408500.1, NM_001408497.1, NM_001408496.1 and 3 more transcripts); c.5068+2T>C (NM_001407921.1, NM_001407926.1, NM_001407924.1 and 4 more transcripts); c.1879+2T>C (NM_001408466.1, NM_001408460.1, NM_001408465.1 and 7 more transcripts); c.1882+2T>C (NM_001408452.1, NM_001408457.1, NM_001408454.1 and 3 more transcripts); c.5185+2T>C (NM_001407850.1, NM_001407844.1, NM_001407851.1 and 12 more transcripts); and 74 more.
Identifiers: ClinVar variation 267598 (VCV000267598.17), dbSNP rs80358182, ClinGen allele CA10590890.

ClinVar aggregate classification (germline): Pathogenic. Review status: criteria provided, multiple submitters, no conflicts (2 of 4 stars). 3 submissions from 3 submitters: Pathogenic (3). Last evaluated 2025-03-07.

Conditions:
Hereditary cancer-predisposing syndrome. Also called: Hereditary Cancer Syndrome; Neoplastic Syndromes, Hereditary; Hereditary neoplastic syndrome; Tumor predisposition. Identifiers: Orphanet 140162, MedGen C0027672, MeSH D009386, MONDO:0015356.
Hereditary breast ovarian cancer syndrome. Also called: Hereditary breast and ovarian cancer syndrome (HBOC); Breast and ovarian cancer; Hereditary breast and ovarian cancer syndrome; Hereditary breast and ovarian cancer; BRCA1- and BRCA2-Associated Hereditary Breast and Ovarian Cancer; Hereditary breast and/or ovarian cancer syndrome. Identifiers: Orphanet 145, MedGen C0677776, MeSH D061325, MONDO:0003582. Disease mechanism: loss of function.
Breast-ovarian cancer, familial, susceptibility to, 1 (BROVCA1). Also called: BRCA1 Hereditary Breast and Ovarian Cancer; OVARIAN CANCER, SUSCEPTIBILITY TO. Identifiers: Orphanet 145, MedGen C2676676, MONDO:0011450, OMIM 604370. Disease mechanism: loss of function.

Submissions (4):

Labcorp Genetics (formerly Invitae), Labcorp
Classification: Pathogenic for Hereditary breast ovarian cancer syndrome. Last evaluated: 2025-03-07. Review status: criteria provided, single submitter. Criteria: Invitae Variant Classification Sherloc (09022015). Collection method: clinical testing. Allele origin: germline.
Comment: This sequence change affects a donor splice site in intron 20 of the BRCA1 gene. RNA analysis indicates that disruption of this splice site induces altered splicing and may result in an absent or altered protein product. This variant is not present in population databases (gnomAD no frequency). Disruption of this splice site has been observed in individual(s) with breast cancer (PMID: 22762150). This variant is also known as IVS21+2T>C. ClinVar contains an entry for this variant (Variation ID: 267598). Studies have shown that disruption of this splice site results in skipping of exon 20 (also known as exon 21), and produces a non-functional protein and/or introduces a premature termination codon (PMID: 23451180, 24667779; internal data). For these reasons, this variant has been classified as Pathogenic.

Ambry Genetics
Classification: Pathogenic for Hereditary cancer-predisposing syndrome. Last evaluated: 2022-01-03. Review status: criteria provided, single submitter. Criteria: Ambry Variant Classification Scheme 2023. Collection method: clinical testing. Allele origin: germline.
Comment: The c.5332+2T>C intronic pathogenic mutation results from a T to C substitution two nucleotides after coding exon 19 in the BRCA1 gene. This nucleotide position is highly conserved in available vertebrate species. In silico splice site analysis predicts that this alteration will weaken the native splice donor site. One functional study found that this nucleotide substitution is non-functional in a high-throughput, genome editing, haploid cell survival assay (Findlay GM et al. Nature, 2018 10;562:217-222). This alteration was identified multiple cohorts of BRCA1/2 mutation positive families (Rebbeck TR et al. Hum Mutat, 2018 05;39:593-620; Lecarpentier J et al. Breast Cancer Res, 2012 Jul;14:R99). This variant is considered to be rare based on population cohorts in the Genome Aggregation Database (gnomAD). In addition to the clinical data presented in the literature, alterations that disrupt the canonical splice site are expected to cause aberrant splicing, resulting in an abnormal protein or a transcript that is subject to nonsense-mediated mRNA decay. As such, this alteration is classified as a disease-causing mutation.

Consortium of Investigators of Modifiers of BRCA1/2 (CIMBA), c/o University of Cambridge
Classification: Pathogenic for Breast-ovarian cancer, familial, susceptibility to, 1. Last evaluated: 2015-10-02. Review status: criteria provided, single submitter. Criteria: CIMBA Mutation Classification guidelines May 2016. Collection method: clinical testing. Allele origin: germline.

Brotman Baty Institute, University of Washington
No classification provided (evidence only). Condition: Breast-ovarian cancer, familial 1. Review status: no classification provided. Collection method: in vitro. Allele origin: not applicable. Functional consequence: functionally_abnormal. Not counted in ClinVar's aggregate classification.
ClinVar note: "not provided" was previously submitted as the classification for the variant. However, the classification appeared to be based only on an observation of functional data so it was converted to no classification on 2025-07-30.

Literature cited by the submitters: PubMed 22762150 (cited by Labcorp Genetics (formerly Invitae), Labcorp and Ambry Genetics); PubMed 23451180 (cited by Labcorp Genetics (formerly Invitae), Labcorp); PubMed 24667779 (cited by Labcorp Genetics (formerly Invitae), Labcorp); PubMed 29446198 (cited by Ambry Genetics); PubMed 30209399 (cited by Ambry Genetics).